The following is an entry in ClinVar:

ClinVar aggregate classification (germline): Uncertain significance. Review status: criteria provided, multiple submitters, no conflicts (2 of 4 stars). 2 submissions from 2 submitters: Uncertain significance (2). Last evaluated 2023-04-12.

Conditions:
TLK2-related disorder. Also called: TLK2-related condition.

Submissions (2):

PreventionGenetics, part of Exact Sciences
Classification: Uncertain significance for TLK2-related condition. Last evaluated: 2023-04-12. Review status: criteria provided, single submitter. Criteria: ACMG Guidelines, 2015. Collection method: clinical testing. Allele origin: germline.
Comment: The TLK2 c.578A>T variant is predicted to result in the amino acid substitution p.His193Leu. To our knowledge, this variant has not been reported in the literature or in a large population database, indicating this variant is rare. At this time, the clinical significance of this variant is uncertain due to the absence of conclusive functional and genetic evidence.

GeneDx
Classification: Uncertain significance. Last evaluated: 2022-05-25. Review status: criteria provided, single submitter. Criteria: GeneDx Variant Classification Process June 2021. Collection method: clinical testing. Allele origin: germline. Affected: yes.
Comment: Not observed at significant frequency in large population cohorts (gnomAD); In silico analysis supports that this missense variant does not alter protein structure/function; Has not been previously published as pathogenic or benign to our knowledge

NM_006852.6(TLK2):c.578A>T (p.His193Leu)

Gene: TLK2 (tousled like kinase 2; plus strand). Cytogenetic location: 17q23.2.
Variant type: single nucleotide variant.
Coding change: c.578A>T on transcript NM_006852.6 (MANE Select); coding-DNA position 578, A replaced by T.
Protein change: p.His193Leu; replaces histidine 193 with leucine.
Molecular consequence: missense variant.
Genome position (GRCh38, 1-based): chr17:62,552,348, A>T. VCF-style: chr17-62552348-A-T. GRCh37 (hg19) VCF-style: chr17-60629709-A-T.
Other names: c.578A>T, p.His193Leu (NM_001284333.3, NM_001375270.1, NM_001375271.1); c.482A>T, p.His161Leu (NM_001284363.1, NM_001375272.1); c.131A>T, p.His44Leu (NM_001330418.3, NM_001375273.1); c.620A>T, p.His207Leu (NM_001375269.1); c.578A>T (NM_001284333.1); short protein forms H161L, H193L, H207L, H44L.
Identifiers: ClinVar variation 1801109 (VCV001801109.2), dbSNP rs2545505927, ClinGen allele CA400521489.
Genomic context (GRCh38, chr17:62,552,348, plus strand): 5'-CACCTTTATTGTAGGCTCAGCAAAACAGTCCCTCATCTACGGGATCTGGCAACACAGAGC[A>T]TTCCTGCAGCTCCCAAAAACAGATCTCCATCCAGCACAGACAGACCCAGGTAGGTTGGTG-3'
Protein context (NP_006843.2, residues 183-203): PSSTGSGNTE[His193Leu]SCSSQKQISI